The following is an entry in ClinVar:

NM_015176.4(FBXO28):c.1027G>T (p.Glu343Ter)

Gene: FBXO28 (F-box protein 28; plus strand). Cytogenetic location: 1q42.11.
Variant type: single nucleotide variant.
Coding change: c.1027G>T on transcript NM_015176.4 (MANE Select); coding-DNA position 1027, G replaced by T.
Protein change: p.Glu343Ter; replaces glutamic acid 343 with a stop codon.
Molecular consequence: nonsense. On other transcripts: 3 prime UTR variant (1), non-coding transcript variant (1).
Genome position (GRCh38, 1-based): chr1:224,157,666, G>T. VCF-style: chr1-224157666-G-T. GRCh37 (hg19) VCF-style: chr1-224345368-G-T.
Other names: c.*291G>T (NM_001136115.3); short protein forms E343*.
Identifiers: ClinVar variation 3377006 (VCV003377006.1).
Genomic context (GRCh38, chr1:224,157,666, plus strand): 5'-AAACTACGAGAAGTAATGGAAAGTGCTGTAGGAAATTCCTCAGGGTCCGGGCAGAATGAG[G>T]AGTCTCCTCGGAAACGAAAAAAGGCCACGGAAGCCATAGACTCTCTTAGGAAATCTAAAC-3'

ClinVar aggregate classification (germline): Pathogenic (1 of 4 stars; one submission).

Conditions:
Developmental and epileptic encephalopathy 100 (DEE100). Identifiers: MedGen C5676932, MONDO:0030695, OMIM 619777.

Submission:

Victorian Clinical Genetics Services, Murdoch Childrens Research Institute
Classification: Pathogenic for Developmental and epileptic encephalopathy 100. Last evaluated: 2024-10-10. Review status: criteria provided, single submitter. Criteria: ACMG Guidelines, 2015. Collection method: clinical testing. Allele origin: germline. Inheritance: Autosomal dominant inheritance. Affected: yes.
Comment: Based on the classification scheme VCGS_Germline_v1.3.5, this variant is classified as Pathogenic. Following criteria are met: 0105 - The mechanism of disease for this gene is not clearly established. (I) 0107 - This gene is associated with autosomal dominant disease. (I) 0205 - Variant is predicted to result in a truncated protein (premature termination codon is NOT located at least 54 nucleotides upstream of the final exon-exon junction) with less than 1/3 of the protein sequence affected. (SP) 0251 - This variant is heterozygous. (I) 0301 - Variant is absent from gnomAD (v2, v3 and v4). (SP) 0701 - Other NMD-escape variants comparable to the one identified in this case have very strong previous evidence for pathogenicity. At least five downstream NMD-escape variants have been reported in individuals with developmental and epileptic encephalopathy, four times in literature and once as likely pathogenic in ClinVar (PMID: 33280099). (SP) 0807 - This variant has no previous evidence of pathogenicity. (I) 0905 - No published segregation evidence has been identified for this variant. (I) 1007 - No published functional evidence has been identified for this variant. (SP) Legend: (SP) - Supporting pathogenic, (I) - Information, (SB) - Supporting benign

Literature cited by the submitters: PubMed 33280099.